The following is an entry in ClinVar:

ClinVar aggregate classification (germline): Likely benign. Review status: criteria provided, multiple submitters, no conflicts (2 of 4 stars). 2 submissions from 2 submitters: Likely benign (2). Last evaluated 2025-08-16.

Conditions:
BAG5-related condition.

Allele frequency attached by ClinVar (database versions not stated): ESP Exome Variant Server 0.00146; ExAC 0.00159; 1000 Genomes Project 0.00160; TOPMed 0.00114; gnomAD 0.00123; 1000 Genomes Project 30x 0.00125.

Submissions (2):

PreventionGenetics, part of Exact Sciences
Classification: Likely benign for BAG5-related condition. Last evaluated: 2025-08-16. Review status: criteria provided, single submitter. Criteria: ACMG Guidelines, 2015. Collection method: clinical testing. Allele origin: germline.
Comment: This variant is classified as likely benign based on ACMG/AMP sequence variant interpretation guidelines (Richards et al. 2015 PMID: 25741868, with internal and published modifications).

CeGaT Center for Human Genetics Tuebingen
Classification: Likely benign. Last evaluated: 2024-04-01. Review status: criteria provided, single submitter. Criteria: CeGaT Center For Human Genetics Tuebingen Variant Classification Criteria Version 2. Collection method: clinical testing. Allele origin: germline. Affected: yes. Observed: 1 variant allele.
Comment: BAG5: BS2

NM_001015048.3(BAG5):c.92G>C (p.Ser31Thr)

Gene: BAG5 (BAG cochaperone 5; minus strand). Cytogenetic location: 14q32.33.
Variant type: single nucleotide variant.
Coding change: c.92G>C on transcript NM_001015048.3 (MANE Select); coding-DNA position 92, G replaced by C.
Protein change: p.Ser31Thr; replaces serine 31 with threonine.
Molecular consequence: missense variant.
Genome position (GRCh38, 1-based): chr14:103,561,073, C>G on the plus strand (G>C on the coding strand, the complement: BAG5 is on the minus strand). VCF-style: chr14-103561073-C-G. GRCh37 (hg19) VCF-style: chr14-104027410-C-G.
Other names: c.92G>C, p.Ser31Thr (NM_001015049.5, NM_004873.4); c.215G>C (NM_001015049.2); short protein forms S31T.
Identifiers: ClinVar variation 3234177 (VCV003234177.21), dbSNP rs143718197, ClinGen allele CA7365273.
Genomic context (GRCh38, chr14:103,561,073, plus strand): 5'-AAAAGCTGTTTTGTTAGAATCCTCTCCAGTTTCTTGTAATTCTTGTCATCTGACAGACCA[C>G]TGAAGCCGATAACTTGCTGTTCTACACTTTTTACTTCCTTTTGGATTTCCTGAAGCCTAC-3'
Protein context (NP_001015048.1, residues 21-41): KSVEQQVIGF[Ser31Thr]GLSDDKNYKK